The following is an entry in ClinVar:

NM_024589.3(ROGDI):c.260T>G (p.Val87Gly)

Gene: ROGDI (rogdi atypical leucine zipper; minus strand). Cytogenetic location: 16p13.3.
Variant type: single nucleotide variant.
Coding change: c.260T>G on transcript NM_024589.3 (MANE Select); coding-DNA position 260, T replaced by G.
Protein change: p.Val87Gly; replaces valine 87 with glycine.
Molecular consequence: missense variant. On other transcripts: non-coding transcript variant (1).
Genome position (GRCh38, 1-based): chr16:4,800,574, A>C on the plus strand (T>G on the coding strand, the complement: ROGDI is on the minus strand). VCF-style: chr16-4800574-A-C. GRCh37 (hg19) VCF-style: chr16-4850575-A-C.
Other names: short protein forms V87G.
Identifiers: ClinVar variation 655575 (VCV000655575.8), dbSNP rs1477391414, ClinGen allele CA394654400.
Genomic context (GRCh38, chr16:4,800,574, plus strand): 5'-TGCTTGTCCTCCCGGAAGGCGAAGTGCAGCAGCTGGTTGTTCCGGGGCATCTTCAGGTTC[A>C]CATCCTGACAGGCAAGAGTGGGGTGAGCTGGGCAGTGGGGGGGCACCTCCTGCCACAGCC-3'
Protein context (NP_078865.1, residues 77-97): LQGDALSQAD[Val87Gly]NLKMPRNNQL

ClinVar aggregate classification (germline): Uncertain significance (1 of 4 stars; one submission).

Conditions:
Amelocerebrohypohidrotic syndrome (KTZS). Also called: EPILEPSY AND YELLOW TEETH; EPILEPSY, DEMENTIA, AND AMELOGENESIS IMPERFECTA; KOHLSCHUTTER SYNDROME; Kohlschutter's syndrome. Identifiers: Orphanet 1946, MedGen C0406740, MONDO:0009185, OMIM 226750.

Submission:

Labcorp Genetics (formerly Invitae), Labcorp
Classification: Uncertain significance for Amelocerebrohypohidrotic syndrome. Last evaluated: 2018-12-21. Review status: criteria provided, single submitter. Criteria: Invitae Variant Classification Sherloc (09022015). Collection method: clinical testing. Allele origin: germline.
Comment: This variant has not been reported in the literature in individuals with ROGDI-related conditions. This variant is not present in population databases (ExAC no frequency). This sequence change replaces valine with glycine at codon 87 of the ROGDI protein (p.Val87Gly). The valine residue is moderately conserved and there is a moderate physicochemical difference between valine and glycine. Algorithms developed to predict the effect of missense changes on protein structure and function (SIFT, PolyPhen-2, Align-GVGD) all suggest that this variant is likely to be disruptive, but these predictions have not been confirmed by published functional studies and their clinical significance is uncertain. In summary, the available evidence is currently insufficient to determine the role of this variant in disease. Therefore, it has been classified as a Variant of Uncertain Significance.